The following is an entry in ClinVar:

ClinVar aggregate classification (germline): Likely pathogenic (1 of 4 stars; one submission).

Conditions:
Megalencephalic leukoencephalopathy with subcortical cysts 1 (MLC1). Also called: VACUOLATING MEGALENCEPHALIC LEUKOENCEPHALOPATHY WITH SUBCORTICAL CYSTS; LEUKOENCEPHALOPATHY WITH SWELLING AND CYSTS. Identifiers: Orphanet 2478, MedGen C5779875, MONDO:0024555, OMIM 604004.

Allele frequency attached by ClinVar (database versions not stated): gnomAD exomes below 0.00001.
gnomAD v4.1: 2 of 1,614,070 alleles (0.00012%); highest among the groups gnomAD compares: Non-Finnish European, 0.00017%; no homozygotes.

Submission:

Consultorio y Laboratorio de Neurogenética, Hospital JM Ramos Mejia
Classification: Likely pathogenic for Megalencephalic leukoencephalopathy with subcortical cysts 1. Last evaluated: 2018-10-29. Review status: criteria provided, single submitter. Criteria: Submitter's publication. Collection method: research. Allele origin: unknown. Affected: yes.
Comment: The variant NM_152722.4:c.359A>G in the HEPACAM gene has not been previously reported in public databases. We consider that this variant is probably pathogenic because it is found in a critical and coding region of the HEPACAM gene; gene that has been associated with this heterogeneous group at the genetic and clinical level of diseases. Megalencephalic leukoencephalopathy with subcortical cysts, remitting, with or without mental retardation was associated with mutations in HEPACAM as reported in the OMIM and PubMed databases (Abdel-Salam et al., 2016).

NM_152722.5(HEPACAM):c.359A>G (p.Tyr120Cys)

Gene: HEPACAM (hepatic and glial cell adhesion molecule; minus strand). Cytogenetic location: 11q24.2.
Variant type: single nucleotide variant.
Coding change: c.359A>G on transcript NM_152722.5 (MANE Select); coding-DNA position 359, A replaced by G.
Protein change: p.Tyr120Cys; replaces tyrosine 120 with cysteine.
Molecular consequence: missense variant.
Genome position (GRCh38, 1-based): chr11:124,924,796, T>C on the plus strand (A>G on the coding strand, the complement: HEPACAM is on the minus strand). VCF-style: chr11-124924796-T-C. GRCh37 (hg19) VCF-style: chr11-124794692-T-C.
Other names: short protein forms Y120C.
Identifiers: ClinVar variation 590970 (VCV000590970.3), dbSNP rs1565339091, ClinGen allele CA383142972.